The following is an entry in ClinVar:

NM_032776.3(JMJD1C):c.4763C>T (p.Ala1588Val)

Gene: JMJD1C (jumonji domain containing 1C; minus strand). Cytogenetic location: 10q21.3.
Variant type: single nucleotide variant.
Coding change: c.4763C>T on transcript NM_032776.3 (MANE Select); coding-DNA position 4763, C replaced by T.
Protein change: p.Ala1588Val; replaces alanine 1588 with valine.
Molecular consequence: missense variant. On other transcripts: non-coding transcript variant (1).
Genome position (GRCh38, 1-based): chr10:63,206,906, G>A on the plus strand (C>T on the coding strand, the complement: JMJD1C is on the minus strand). VCF-style: chr10-63206906-G-A. GRCh37 (hg19) VCF-style: chr10-64966666-G-A.
Other names: c.4217C>T, p.Ala1406Val (NM_001282948.2, NM_001318154.2); c.3899C>T, p.Ala1300Val (NM_001318153.2); c.4649C>T, p.Ala1550Val (NM_001322252.2); c.4106C>T, p.Ala1369Val (NM_001322254.2, NM_001322258.2); short protein forms A1406V, A1369V, A1550V, A1300V, A1588V.
Identifiers: ClinVar variation 1357675 (VCV001357675.6), dbSNP rs1404794797, ClinGen allele CA377036546.

ClinVar aggregate classification (germline): Uncertain significance (1 of 4 stars; one submission).

Conditions:
Early Myoclonic Encephalopathy. Identifiers: MedGen C0270855.

Allele frequency attached by ClinVar (database versions not stated): gnomAD exomes 0.00001; TOPMed 0.00001; gnomAD 0.00001.
gnomAD v4.1: 12 of 1,607,992 alleles (0.00075%); highest among the groups gnomAD compares: African/African-American, 0.0027%; no homozygotes.

Submission:

Labcorp Genetics (formerly Invitae), Labcorp
Classification: Uncertain significance for Early Myoclonic Encephalopathy. Last evaluated: 2021-10-20. Review status: criteria provided, single submitter. Criteria: Invitae Variant Classification Sherloc (09022015). Collection method: clinical testing. Allele origin: germline.
Comment: In summary, the available evidence is currently insufficient to determine the role of this variant in disease. Therefore, it has been classified as a Variant of Uncertain Significance. Algorithms developed to predict the effect of missense changes on protein structure and function are either unavailable or do not agree on the potential impact of this missense change (SIFT: "Deleterious"; PolyPhen-2: "Benign"; Align-GVGD: "Class C0"). This variant has not been reported in the literature in individuals affected with JMJD1C-related conditions. This variant is not present in population databases (ExAC no frequency). This sequence change replaces alanine with valine at codon 1588 of the JMJD1C protein (p.Ala1588Val). The alanine residue is highly conserved and there is a small physicochemical difference between alanine and valine.